The following is an entry in ClinVar:

NM_015295.3(SMCHD1):c.5933A>T (p.Glu1978Val)

Gene: SMCHD1 (structural maintenance of chromosomes flexible hinge domain containing 1; plus strand). Cytogenetic location: 18p11.32.
Variant type: single nucleotide variant.
Coding change: c.5933A>T on transcript NM_015295.3 (MANE Select); coding-DNA position 5933, A replaced by T.
Protein change: p.Glu1978Val; replaces glutamic acid 1978 with valine.
Molecular consequence: missense variant.
Genome position (GRCh38, 1-based): chr18:2,796,461, A>T. VCF-style: chr18-2796461-A-T. GRCh37 (hg19) VCF-style: chr18-2796459-A-T.
Other names: short protein forms E1978V.
Identifiers: ClinVar variation 4762671 (VCV004762671.1).
Genomic context (GRCh38, chr18:2,796,461, plus strand): 5'-TCACAGGTATGACTCCCATACGTAAGTGTAATGACTCATTGCGTCATTCACCAAAGGTTG[A>T]GACGACAGATTGTCCAGTTCCTCCTAAAAGAATGAGACGAGAAGCTACAAGACAAAATAG-3'
Protein context (NP_056110.2, residues 1968-1988): NDSLRHSPKV[Glu1978Val]TTDCPVPPKR

ClinVar aggregate classification (germline): Uncertain significance (1 of 4 stars; one submission).

Conditions:
Facioscapulohumeral muscular dystrophy 2 (FSHD2). Also called: MUSCULAR DYSTROPHY, FACIOSCAPULOHUMERAL, TYPE 1B; FACIOSCAPULOHUMERAL MUSCULAR DYSTROPHY 2, DIGENIC; FSHD2, DIGENIC. Identifiers: Orphanet 269, MedGen C1834671, MONDO:0008031, OMIM 158901.

gnomAD v4.1: 2 of 1,606,498 alleles (0.00012%); highest among the groups gnomAD compares: Non-Finnish European, 0.00017%; no homozygotes.

Submission:

Labcorp Genetics (formerly Invitae), Labcorp
Classification: Uncertain significance for Facioscapulohumeral muscular dystrophy 2. Last evaluated: 2025-11-04. Review status: criteria provided, single submitter. Criteria: Invitae Variant Classification Sherloc (09022015). Collection method: clinical testing. Allele origin: germline.
Comment: This sequence change replaces glutamic acid, which is acidic and polar, with valine, which is neutral and non-polar, at codon 1978 of the SMCHD1 protein (p.Glu1978Val). This variant is not present in population databases (gnomAD no frequency). This variant has not been reported in the literature in individuals affected with SMCHD1-related conditions. An algorithm developed to predict the effect of missense changes on protein structure and function (PolyPhen-2) suggests that this variant is likely to be tolerated. In summary, the available evidence is currently insufficient to determine the role of this variant in disease. Therefore, it has been classified as a Variant of Uncertain Significance.